The following is an entry in ClinVar:

NM_021147.5(CCNO):c.185A>G (p.Glu62Gly)

Gene: CCNO (cyclin O; minus strand). Cytogenetic location: 5q11.2.
Variant type: single nucleotide variant.
Coding change: c.185A>G on transcript NM_021147.5 (MANE Select); coding-DNA position 185, A replaced by G.
Protein change: p.Glu62Gly; replaces glutamic acid 62 with glycine.
Molecular consequence: missense variant. On other transcripts: non-coding transcript variant (2).
Genome position (GRCh38, 1-based): chr5:55,233,339, T>C on the plus strand (A>G on the coding strand, the complement: CCNO is on the minus strand). VCF-style: chr5-55233339-T-C. GRCh37 (hg19) VCF-style: chr5-54529167-T-C.
Other names: short protein forms E62G.
Identifiers: ClinVar variation 1362575 (VCV001362575.8), dbSNP rs1745657575, ClinGen allele CA359725115.

ClinVar aggregate classification (germline): Uncertain significance (1 of 4 stars; one submission).

Conditions:
Primary ciliary dyskinesia. Also called: Ciliary dyskinesia. Identifiers: Orphanet 244, MedGen C0008780, MONDO:0016575, HP:0012265.

Allele frequency attached by ClinVar (database versions not stated): gnomAD exomes below 0.00001; TOPMed 0.00001.
gnomAD v4.1: 2 of 1,607,080 alleles (0.00012%); highest among the groups gnomAD compares: Non-Finnish European, 0.00017%; no homozygotes.

Submission:

Labcorp Genetics (formerly Invitae), Labcorp
Classification: Uncertain significance for Primary ciliary dyskinesia. Last evaluated: 2021-06-19. Review status: criteria provided, single submitter. Criteria: Invitae Variant Classification Sherloc (09022015). Collection method: clinical testing. Allele origin: germline.
Comment: In summary, the available evidence is currently insufficient to determine the role of this variant in disease. Therefore, it has been classified as a Variant of Uncertain Significance. Algorithms developed to predict the effect of missense changes on protein structure and function are either unavailable or do not agree on the potential impact of this missense change (SIFT: "Tolerated"; PolyPhen-2: "Probably Damaging"; Align-GVGD: "Class C0"). This variant has not been reported in the literature in individuals with CCNO-related conditions. This variant is not present in population databases (ExAC no frequency). This sequence change replaces glutamic acid with glycine at codon 62 of the CCNO protein (p.Glu62Gly). The glutamic acid residue is weakly conserved and there is a moderate physicochemical difference between glutamic acid and glycine.